The following is an entry in ClinVar:

NM_005188.4(CBL):c.148A>C (p.Thr50Pro)

Genes: CBL (Cbl proto-oncogene; plus strand), LOC130006895 (ATAC-STARR-seq lymphoblastoid silent region 3975; plus strand). Cytogenetic location: 11q23.3.
Variant type: single nucleotide variant.
Coding change: c.148A>C on transcript NM_005188.4 (MANE Select); coding-DNA position 148, A replaced by C.
Protein change: p.Thr50Pro; replaces threonine 50 with proline.
Molecular consequence: missense variant.
Genome position (GRCh38, 1-based): chr11:119,206,565, A>C. VCF-style: chr11-119206565-A-C. GRCh37 (hg19) VCF-style: chr11-119077275-A-C.
Other names: short protein forms T50P.
Identifiers: ClinVar variation 3827865 (VCV003827865.1).

ClinVar aggregate classification (germline): Uncertain significance (1 of 4 stars; one submission).

Conditions:
Cardiovascular phenotype. Identifiers: MedGen CN230736.

Submission:

Ambry Genetics
Classification: Uncertain significance for Cardiovascular phenotype. Last evaluated: 2025-03-01. Review status: criteria provided, single submitter. Criteria: Ambry Variant Classification Scheme 2023. Collection method: clinical testing. Allele origin: germline.
Comment: The p.T50P variant (also known as c.148A>C), located in coding exon 1 of the CBL gene, results from an A to C substitution at nucleotide position 148. The threonine at codon 50 is replaced by proline, an amino acid with highly similar properties. This amino acid position is conserved. In addition, the in silico prediction for this alteration is inconclusive. Based on the available evidence, the clinical significance of this variant remains unclear.